The following is an entry in ClinVar:

ClinVar aggregate classification (germline): Uncertain significance. Review status: criteria provided, multiple submitters, no conflicts (2 of 4 stars). 2 submissions from 2 submitters: Uncertain significance (2). Last evaluated 2023-03-03.

Conditions:
Neurodevelopmental disorder with ataxic gait, absent speech, and decreased cortical white matter. Identifiers: MedGen C4540498, MONDO:0060624, OMIM 617807.

Allele frequency attached by ClinVar (database versions not stated): ExAC 0.00005; TOPMed below 0.00001; gnomAD 0.00001.
gnomAD v4.1: 10 of 1,556,108 alleles (0.00064%); highest among the groups gnomAD compares: South Asian, 0.0024%; no homozygotes.

Submissions (2):

Labcorp Genetics (formerly Invitae), Labcorp
Classification: Uncertain significance. Last evaluated: 2023-03-03. Review status: criteria provided, single submitter. Criteria: Invitae Variant Classification Sherloc (09022015). Collection method: clinical testing. Allele origin: germline.
Comment: An algorithm developed to predict the effect of missense changes on protein structure and function (PolyPhen-2) suggests that this variant is likely to be disruptive. In summary, the available evidence is currently insufficient to determine the role of this variant in disease. Therefore, it has been classified as a Variant of Uncertain Significance. ClinVar contains an entry for this variant (Variation ID: 1379983). This variant has not been reported in the literature in individuals affected with RAB11B-related conditions. The frequency data for this variant in the population databases is considered unreliable, as metrics indicate poor data quality at this position in the gnomAD database. This sequence change replaces arginine, which is basic and polar, with cysteine, which is neutral and slightly polar, at codon 140 of the RAB11B protein (p.Arg140Cys).

Department of Pathology and Laboratory Medicine, Sinai Health System
Classification: Uncertain significance for Neurodevelopmental disorder with ataxic gait, absent speech, and decreased cortical white matter. Last evaluated: 2021-09-09. Review status: criteria provided, single submitter. Criteria: ACMG Guidelines, 2015. Collection method: research. Allele origin: germline.

NM_004218.4(RAB11B):c.418C>T (p.Arg140Cys)

Gene: RAB11B (RAB11B, member RAS oncogene family; plus strand). Cytogenetic location: 19p13.2.
Variant type: single nucleotide variant.
Coding change: c.418C>T on transcript NM_004218.4 (MANE Select); coding-DNA position 418, C replaced by T.
Protein change: p.Arg140Cys; replaces arginine 140 with cysteine.
Molecular consequence: missense variant.
Genome position (GRCh38, 1-based): chr19:8,402,267, C>T. VCF-style: chr19-8402267-C-T. GRCh37 (hg19) VCF-style: chr19-8467151-C-T.
Other names: short protein forms R140C.
Identifiers: ClinVar variation 1379983 (VCV001379983.7), dbSNP rs747366868, ClinGen allele CA9156350.